The following is an entry in ClinVar:

ClinVar aggregate classification (germline): Uncertain significance. Review status: criteria provided, multiple submitters, no conflicts (2 of 4 stars). 2 submissions from 2 submitters: Uncertain significance (2). Last evaluated 2023-12-01.

Conditions:
Inborn genetic diseases. Identifiers: MedGen C0950123, MeSH D030342.
Joubert syndrome 20 (JBTS20). Identifiers: Orphanet 475, MedGen C3554235, MONDO:0013994, OMIM 614970.
Meckel syndrome, type 11 (MKS11). Identifiers: Orphanet 564, MedGen C3809352, MONDO:0014164, OMIM 615397.

Submissions (2):

Ambry Genetics
Classification: Uncertain significance for Inborn genetic diseases. Last evaluated: 2023-12-01. Review status: criteria provided, single submitter. Criteria: Ambry Variant Classification Scheme 2023. Collection method: clinical testing. Allele origin: germline.
Comment: The c.877G>A (p.E293K) alteration is located in exon 6 (coding exon 6) of the TMEM231 gene. This alteration results from a G to A substitution at nucleotide position 877, causing the glutamic acid (E) at amino acid position 293 to be replaced by a lysine (K). This variant was not reported in population-based cohorts in the Genome Aggregation Database (gnomAD). This amino acid position is highly conserved in available vertebrate species. This alteration is predicted to be deleterious by in silico analysis. Based on insufficient or conflicting evidence, the clinical significance of this alteration remains unclear.

Labcorp Genetics (formerly Invitae), Labcorp
Classification: Uncertain significance for Joubert syndrome 20; Meckel syndrome, type 11. Last evaluated: 2022-09-13. Review status: criteria provided, single submitter. Criteria: Invitae Variant Classification Sherloc (09022015). Collection method: clinical testing. Allele origin: germline.
Comment: This sequence change replaces glutamic acid, which is acidic and polar, with lysine, which is basic and polar, at codon 317 of the TMEM231 protein (p.Glu317Lys). This variant is not present in population databases (gnomAD no frequency). This variant has not been reported in the literature in individuals affected with TMEM231-related conditions. ClinVar contains an entry for this variant (Variation ID: 208785). Algorithms developed to predict the effect of missense changes on protein structure and function are either unavailable or do not agree on the potential impact of this missense change (SIFT: "Deleterious"; PolyPhen-2: "Not Available"; Align-GVGD: "Class C55"). In summary, the available evidence is currently insufficient to determine the role of this variant in disease. Therefore, it has been classified as a Variant of Uncertain Significance.

NM_001077418.3(TMEM231):c.790G>A (p.Glu264Lys)

Gene: TMEM231 (transmembrane protein 231; minus strand). Cytogenetic location: 16q23.1.
Variant type: single nucleotide variant.
Coding change: c.790G>A on transcript NM_001077418.3 (MANE Select); coding-DNA position 790, G replaced by A.
Protein change: p.Glu264Lys; replaces glutamic acid 264 with lysine.
Molecular consequence: missense variant. On other transcripts: non-coding transcript variant (1).
Genome position (GRCh38, 1-based): chr16:75,540,155, C>T on the plus strand (G>A on the coding strand, the complement: TMEM231 is on the minus strand). VCF-style: chr16-75540155-C-T. GRCh37 (hg19) VCF-style: chr16-75574053-C-T.
Other names: c.949G>A, p.Glu317Lys (NM_001077416.2); short protein forms E317K, E264K.
Identifiers: ClinVar variation 208785 (VCV000208785.9), dbSNP rs797044954, ClinGen allele CA204905.